The following is an entry in ClinVar:

ClinVar aggregate classification (germline): Conflicting classifications of pathogenicity. Review status: criteria provided, conflicting classifications (1 of 4 stars). 3 submissions from 3 submitters: Pathogenic (1); Likely pathogenic (1); Uncertain significance (1). Last evaluated 2025-10-01.

Submissions (3):

Labcorp Genetics (formerly Invitae), Labcorp
Classification: Pathogenic. Last evaluated: 2025-10-01. Review status: criteria provided, single submitter. Criteria: Invitae Variant Classification Sherloc (09022015). Collection method: clinical testing. Allele origin: germline.
Comment: This sequence change creates a premature translational stop signal (p.Ala898Glyfs*63) in the PDZD7 gene. While this is not anticipated to result in nonsense mediated decay, it is expected to disrupt the last 136 amino acid(s) of the PDZD7 protein. This variant is present in population databases (no rsID available, gnomAD 0.03%). This variant has not been reported in the literature in individuals affected with PDZD7-related conditions. ClinVar contains an entry for this variant (Variation ID: 1059183). Experimental studies and prediction algorithms are not available or were not evaluated, and the functional significance of this variant is currently unknown. This variant disrupts a region of the PDZD7 protein in which other variant(s) (p.Arg933del) have been determined to be pathogenic (internal data). This suggests that this is a clinically significant region of the protein, and that variants that disrupt it are likely to be disease-causing. For these reasons, this variant has been classified as Pathogenic.

GeneDx
Classification: Likely pathogenic. Last evaluated: 2025-05-08. Review status: criteria provided, single submitter. Criteria: GeneDx Variant Classification Process June 2021. Collection method: clinical testing. Allele origin: germline. Affected: yes.
Comment: Frameshift variant predicted to result in abnormal protein length as the last136 amino acid(s) are replaced with 62 different amino acid(s), and other similar variants have been reported in HGMD; Has not been previously reported as pathogenic or benign in association with PDZD7-related disorders to our knowledge; This variant is associated with the following publications: (PMID: 36147510)

Blueprint Genetics
Classification: Uncertain significance. Last evaluated: 2022-04-05. Review status: criteria provided, single submitter. Criteria: ACMG Guidelines, 2015. Collection method: clinical testing. Allele origin: germline.

NM_001195263.2(PDZD7):c.2692dup (p.Ala898fs)

Gene: PDZD7 (PDZ domain containing 7; minus strand). Cytogenetic location: 10q24.31.
Variant type: Duplication.
Coding change: c.2692dup on transcript NM_001195263.2 (MANE Select); coding-DNA position 2692, one base duplicated (G; older notation c.2692dupG).
Protein change: p.Ala898fs; shifts the reading frame from alanine 898.
Molecular consequence: frameshift variant.
Genome position (GRCh38, 1-based): chr10:101,009,276, C duplicated on the plus strand (G on the coding strand, the reverse complement: PDZD7 is on the minus strand); the first of 7 consecutive C bases (chr10:101,009,276-101,009,282); duplicating any one gives the same sequence. VCF-style (leftmost placement, unchanged base first): chr10-101009275-G-GC. GRCh37 (hg19) VCF-style: chr10-102769032-G-GC.
Other names: c.2692dupG (NM_001195263.1); c.2692dup (NM_001195263.1); short protein forms A898fs.
Identifiers: ClinVar variation 1059183 (VCV001059183.12), dbSNP rs1177831852, ClinGen allele CA595494103.